The following is an entry in ClinVar:

NC_000023.10:g.(?_30326313)_(41000684_?)del

Genes: ATP6AP2 (ATPase H+ transporting accessory protein 2; plus strand), BCOR (BCL6 corepressor; minus strand), CFAP47 (cilia and flagella associated protein 47; plus strand), CXorf38 (chromosome X open reading frame 38; minus strand), CYBB (cytochrome b-245 beta chain; plus strand) and 25 more. Cytogenetic location: Xp21.2-11.4.
Variant type: Deletion.
Identifiers: ClinVar variation 833473 (VCV000833473.1).

ClinVar aggregate classification (germline): Pathogenic (1 of 4 stars; one submission).

Conditions:
Ornithine carbamoyltransferase deficiency (OTCD). Also called: ORNITHINE TRANSCARBAMYLASE DEFICIENCY; Ornithine Carbamoyltransferase Deficiency Disease; ORNITHINE TRANSCARBAMYLASE DEFICIENCY, HYPERAMMONEMIA DUE TO; OTC DEFICIENCY. Identifiers: Orphanet 664, MedGen C0268542, MONDO:0010703, OMIM 311250.

Submission:

Labcorp Genetics (formerly Invitae), Labcorp
Classification: Pathogenic for Ornithine carbamoyltransferase deficiency. Last evaluated: 2019-08-01. Review status: criteria provided, single submitter. Criteria: Invitae Variant Classification Sherloc (09022015). Collection method: clinical testing. Allele origin: germline.
Comment: A gross deletion of the genomic region encompassing the full coding sequence of the OTC gene has been identified. The boundaries of this event are unknown as the deletion extends beyond the assayed region for this gene and therefore may encompass additional genes. This variant has been observed in several individuals affected with OTC deficiency (PMID: 22494545, 11793468, 19475717, 22382802, 18487280, 19138872, 19783189). Loss-of-function variants in OTC are known to be pathogenic (PMID: 10946359, 16786505). For these reasons, this variant has been classified as Pathogenic.

Literature cited by the submitters: PubMed 19783189; PubMed 18487280; PubMed 22382802; PubMed 19475717; PubMed 19138872; PubMed 11793468; PubMed 22494545.